The following is an entry in ClinVar:

NM_033100.4(CDHR1):c.1692C>T (p.Ile564=)

Gene: CDHR1 (cadherin related family member 1; plus strand). Cytogenetic location: 10q23.1.
Variant type: single nucleotide variant.
Coding change: c.1692C>T on transcript NM_033100.4 (MANE Select); coding-DNA position 1692, C replaced by T.
Protein change: p.Ile564=; no amino-acid change (isoleucine 564 retained).
Molecular consequence: synonymous variant.
Genome position (GRCh38, 1-based): chr10:84,212,317, C>T. VCF-style: chr10-84212317-C-T. GRCh37 (hg19) VCF-style: chr10-85972073-C-T.
Other names: c.1692C>T, p.Ile564= (NM_001171971.3); c.1692C>T (NM_033100.3).
Identifiers: ClinVar variation 1080606 (VCV001080606.12), dbSNP rs376669856, ClinGen allele CA5580020.

ClinVar aggregate classification (germline): Likely benign. Review status: criteria provided, multiple submitters, no conflicts (2 of 4 stars). 4 submissions from 4 submitters: Likely benign (4). Last evaluated 2025-11-25.

Conditions:
CDHR1-related disorder. Also called: CDHR1-related condition.

Allele frequency attached by ClinVar (database versions not stated): gnomAD exomes 0.00003 and 0.00009; ExAC 0.00009; ESP Exome Variant Server 0.00015; 1000 Genomes Project 30x 0.00016; 1000 Genomes Project 0.00020; gnomAD 0.00021 and 0.00023; TOPMed 0.00027.
gnomAD v4.1: 69 of 1,614,206 alleles (0.0043%); highest among the groups gnomAD compares: African/African-American, 0.08%; no homozygotes.

Submissions (4):

PreventionGenetics, part of Exact Sciences
Classification: Likely benign for CDHR1-related condition. Last evaluated: 2025-11-25. Review status: criteria provided, single submitter. Criteria: ACMG Guidelines, 2015. Collection method: clinical testing. Allele origin: germline.
Comment: This variant is classified as likely benign based on ACMG/AMP sequence variant interpretation guidelines (Richards et al. 2015 PMID: 25741868, with internal and published modifications).

Labcorp Genetics (formerly Invitae), Labcorp
Classification: Likely benign. Last evaluated: 2025-11-21. Review status: criteria provided, single submitter. Criteria: Invitae Variant Classification Sherloc (09022015). Collection method: clinical testing. Allele origin: germline.

Blueprint Genetics
Classification: Likely benign. Last evaluated: 2023-12-13. Review status: criteria provided, single submitter. Criteria: ACMG Guidelines, 2015. Collection method: clinical testing. Allele origin: germline.

Breakthrough Genomics
Classification: Likely benign. Review status: criteria provided, single submitter. Criteria: ACMG Guidelines, 2015. Collection method: not provided. Allele origin: germline. Inheritance: Autosomal recessive inheritance. Affected: yes.